The following is an entry in ClinVar:

ClinVar aggregate classification (germline): Uncertain significance (1 of 4 stars; one submission).

Submission:

Labcorp Genetics (formerly Invitae), Labcorp
Classification: Uncertain significance. Last evaluated: 2024-02-17. Review status: criteria provided, single submitter. Criteria: Invitae Variant Classification Sherloc (09022015). Collection method: clinical testing. Allele origin: germline.
Comment: This sequence change replaces histidine, which is basic and polar, with aspartic acid, which is acidic and polar, at codon 407 of the TAOK2 protein (p.His407Asp). This variant is not present in population databases (gnomAD no frequency). This variant has not been reported in the literature in individuals affected with TAOK2-related conditions. ClinVar contains an entry for this variant (Variation ID: 2066388). An algorithm developed to predict the effect of missense changes on protein structure and function (PolyPhen-2) suggests that this variant is likely to be disruptive. In summary, the available evidence is currently insufficient to determine the role of this variant in disease. Therefore, it has been classified as a Variant of Uncertain Significance.

NM_016151.4(TAOK2):c.1219C>G (p.His407Asp)

Gene: TAOK2 (TAO kinase 2; plus strand). Cytogenetic location: 16p11.2.
Variant type: single nucleotide variant.
Coding change: c.1219C>G on transcript NM_016151.4 (MANE Select); coding-DNA position 1219, C replaced by G.
Protein change: p.His407Asp; replaces histidine 407 with aspartic acid.
Molecular consequence: missense variant.
Genome position (GRCh38, 1-based): chr16:29,983,291, C>G. VCF-style: chr16-29983291-C-G. GRCh37 (hg19) VCF-style: chr16-29994612-C-G.
Other names: c.1219C>G, p.His407Asp (NM_001252043.2, NM_004783.4); short protein forms H407D.
Identifiers: ClinVar variation 2066388 (VCV002066388.4), dbSNP rs2543636793, ClinGen allele CA395480929.